The following is an entry in ClinVar:

NM_000203.5(IDUA):c.1525G>C (p.Asp509His)

Gene: IDUA (alpha-L-iduronidase; plus strand). Cytogenetic location: 4p16.3.
Variant type: single nucleotide variant.
Coding change: c.1525G>C on transcript NM_000203.5 (MANE Select); coding-DNA position 1525, G replaced by C.
Protein change: p.Asp509His; replaces aspartic acid 509 with histidine.
Molecular consequence: missense variant. On other transcripts: non-coding transcript variant (1).
Genome position (GRCh38, 1-based): chr4:1,003,345, G>C. VCF-style: chr4-1003345-G-C. GRCh37 (hg19) VCF-style: chr4-997133-G-C.
Other names: c.1129G>C, p.Asp377His (NM_001363576.1); short protein forms D377H, D509H.
Identifiers: ClinVar variation 3907204 (VCV003907204.1).
Genomic context (GRCh38, chr4:1,003,345, plus strand): 5'-GGTCGGGCCGAGCGTCCCCAGCTCCCCTGGAGAACCCTGAGGACCGGCCACTGCGCCCAG[G>C]ACCCGGTGGCCGCGGCGCCCCGCCCCTTACCCGCCGGCGGCCGCCTGACCCTGCGCCCCG-3'
Protein context (NP_000194.2, residues 499-519): EQFRRMRAAE[Asp509His]PVAAAPRPLP

ClinVar aggregate classification (germline): Uncertain significance (1 of 4 stars; one submission).

Submission:

Women's Health and Genetics/Laboratory Corporation of America, LabCorp
Classification: Uncertain significance. Last evaluated: 2025-06-11. Review status: criteria provided, single submitter. Criteria: LabCorp Variant Classification Summary - May 2015. Collection method: clinical testing. Allele origin: germline.
Comment: Variant summary: IDUA c.1525G>C (p.Asp509His) results in a non-conservative amino acid change in the encoded protein sequence. Algorithms developed to predict the effect of missense changes on protein structure and function all suggest that this variant is likely to be disruptive. The frequency data for this variant in gnomAD is considered unreliable, as metrics indicate poor data quality at this position. To our knowledge, no occurrence of c.1525G>C in individuals affected with Mucopolysaccharidosis Type 1 and no experimental evidence demonstrating its impact on protein function have been reported. No submitters have cited clinical-significance assessments for this variant to ClinVar. Based on the evidence outlined above, the variant was classified as uncertain significance.